The following is an entry in ClinVar:

ClinVar aggregate classification (germline): Benign. Review status: criteria provided, multiple submitters, no conflicts (2 of 4 stars). 2 submissions from 2 submitters: Benign (2). Last evaluated 2018-01-13.

Conditions:
Fibrous dysplasia of jaw (CRBM). Also called: Cherubism. Identifiers: Orphanet 184, MedGen C0008029, MONDO:0007315, OMIM 118400.

Allele frequency attached by ClinVar (database versions not stated): 1000 Genomes Project 0.05431; gnomAD 0.05552 and 0.05758; gnomAD exomes 0.05882; TOPMed 0.06650.
gnomAD v4.1: 8,364 of 151,652 alleles (5.5%); highest among the groups gnomAD compares: Admixed American, 14%; 517 homozygotes.

Submissions (2):

Illumina Laboratory Services, Illumina
Classification: Benign for Fibrous dysplasia of jaw. Last evaluated: 2018-01-13. Review status: criteria provided, single submitter. Criteria: ICSL Variant Classification Criteria 13 December 2019. Collection method: clinical testing. Allele origin: germline.
Comment: This variant was observed in the ICSL laboratory as part of a predisposition screen in an ostensibly healthy population. It had not been previously curated by ICSL or reported in the Human Gene Mutation Database (HGMD: prior to June 1st, 2018), and was therefore a candidate for classification through an automated scoring system. Utilizing variant allele frequency, disease prevalence and penetrance estimates, and inheritance mode, an automated score was calculated to assess if this variant is too frequent to cause the disease. Based on the score and internal cut-off values, a variant classified as benign is not then subjected to further curation. The score for this variant resulted in a classification of benign for this disease.

Breakthrough Genomics
Classification: Benign. Review status: criteria provided, single submitter. Criteria: ACMG Guidelines, 2015. Collection method: not provided. Allele origin: germline. Inheritance: Autosomal dominant inheritance. Affected: yes.

NM_001122681.2(SH3BP2):c.*5738T>G

Gene: SH3BP2 (SH3 domain binding protein 2; plus strand). Cytogenetic location: 4p16.3.
Variant type: single nucleotide variant.
Coding change: c.*5738T>G on transcript NM_001122681.2 (MANE Select); 5738 bases downstream of the stop codon, T replaced by G.
Molecular consequence: 3 prime UTR variant.
Genome position (GRCh38, 1-based): chr4:2,839,572, T>G. VCF-style: chr4-2839572-T-G. GRCh37 (hg19) VCF-style: chr4-2841299-T-G.
Other names: c.*5738T>G (LRG_1334t1, LRG_1334t2, NM_001145855.2 and 2 more transcripts).
Identifiers: ClinVar variation 348691 (VCV000348691.6), dbSNP rs12504763, ClinGen allele CA10620982.